The following is an entry in ClinVar:

NM_001371986.1(UNC80):c.3078A>G (p.Lys1026=)

Gene: UNC80 (unc-80 subunit of NALCN channel complex; plus strand). Cytogenetic location: 2q34.
Variant type: single nucleotide variant.
Coding change: c.3078A>G on transcript NM_001371986.1 (MANE Select); coding-DNA position 3078, A replaced by G.
Protein change: p.Lys1026=; no amino-acid change (lysine 1026 retained).
Molecular consequence: synonymous variant.
Genome position (GRCh38, 1-based): chr2:209,839,258, A>G. VCF-style: chr2-209839258-A-G. GRCh37 (hg19) VCF-style: chr2-210703982-A-G.
Other names: c.3078A>G, p.Lys1026= (NM_032504.2); c.3063A>G, p.Lys1021= (NM_182587.4).
Identifiers: ClinVar variation 789569 (VCV000789569.14), dbSNP rs112831177, ClinGen allele CA2083082.

ClinVar aggregate classification (germline): Benign. Review status: criteria provided, multiple submitters, no conflicts (2 of 4 stars). 3 submissions from 3 submitters: Benign (2). 1 of the submissions does not count toward it. Last evaluated 2026-02-03.

Conditions:
UNC80-related disorder. Also called: UNC80-related condition.

Allele frequency attached by ClinVar (database versions not stated): gnomAD exomes 0.00133 and 0.00324; ExAC 0.00429; ESP Exome Variant Server 0.01161; 1000 Genomes Project 0.01218; 1000 Genomes Project 30x 0.01327; gnomAD 0.01344 and 0.01441; TOPMed 0.01455.
gnomAD v4.1: 4,052 of 1,551,556 alleles (0.26%); highest among the groups gnomAD compares: African/African-American, 4.4%; 100 homozygotes.

Submissions (3):

Labcorp Genetics (formerly Invitae), Labcorp
Classification: Benign. Last evaluated: 2026-02-03. Review status: criteria provided, single submitter. Criteria: Invitae Variant Classification Sherloc (09022015). Collection method: clinical testing. Allele origin: germline.

Breakthrough Genomics
Classification: Benign. Review status: criteria provided, single submitter. Criteria: ACMG Guidelines, 2015. Collection method: not provided. Allele origin: germline. Inheritance: Autosomal recessive inheritance. Affected: yes.

PreventionGenetics, part of Exact Sciences
Classification: Benign for UNC80-related condition. Last evaluated: 2019-07-19. Review status: no assertion criteria provided. Collection method: clinical testing. Allele origin: germline. Not counted in ClinVar's aggregate classification.
Comment: This variant is classified as benign based on ACMG/AMP sequence variant interpretation guidelines (Richards et al. 2015 PMID: 25741868, with internal and published modifications).